The following is an entry in ClinVar:

NM_000321.3(RB1):c.8C>T (p.Pro3Leu)

Gene: RB1 (RB transcriptional corepressor 1; plus strand). Cytogenetic location: 13q14.2.
Variant type: single nucleotide variant.
Coding change: c.8C>T on transcript NM_000321.3 (MANE Select); coding-DNA position 8, C replaced by T.
Protein change: p.Pro3Leu; replaces proline 3 with leucine.
Molecular consequence: missense variant.
Genome position (GRCh38, 1-based): chr13:48,303,920, C>T. VCF-style: chr13-48303920-C-T. GRCh37 (hg19) VCF-style: chr13-48878056-C-T.
Other names: c.8C>T, p.Pro3Leu (NM_001407165.1, NM_001407166.1, NM_001407167.1); short protein forms P3L.
Identifiers: ClinVar variation 2678279 (VCV002678279.5), dbSNP rs2138026992, ClinGen allele CA388250148.

ClinVar aggregate classification (germline): Uncertain significance. Review status: criteria provided, multiple submitters, no conflicts (2 of 4 stars). 3 submissions from 3 submitters: Uncertain significance (3). Last evaluated 2025-03-26.

Conditions:
Malignant tumor of urinary bladder. Also called: Urinary Bladder Neoplasms; Bladder cancer; Urinary bladder cancer. Identifiers: MedGen C0005684, MONDO:0001187, OMIM 109800.
Retinoblastoma (RB1). Also called: RETINOBLASTOMA, SOMATIC. Identifiers: Orphanet 790, MedGen C0035335, MeSH D012175, MONDO:0008380, OMIM 180200, HP:0009919. Disease mechanism: loss of function. Inheritance: Both sporadic and heritable forms are tested..
Hereditary cancer-predisposing syndrome. Also called: Neoplastic Syndromes, Hereditary; Hereditary neoplastic syndrome; Tumor predisposition; Hereditary Cancer Syndrome. Identifiers: Orphanet 140162, MedGen C0027672, MeSH D009386, MONDO:0015356.

Submissions (3):

Ambry Genetics
Classification: Uncertain significance for Hereditary cancer-predisposing syndrome. Last evaluated: 2025-03-26. Review status: criteria provided, single submitter. Criteria: Ambry Variant Classification Scheme 2023. Collection method: clinical testing. Allele origin: germline.
Comment: The p.P3L variant (also known as c.8C>T), located in coding exon 1 of the RB1 gene, results from a C to T substitution at nucleotide position 8. The proline at codon 3 is replaced by leucine, an amino acid with similar properties. This amino acid position is well conserved in available vertebrate species. In addition, the in silico prediction for this alteration is inconclusive. Based on the available evidence, the clinical significance of this variant remains unclear.

Baylor Genetics
Classification: Uncertain significance for Malignant tumor of urinary bladder. Last evaluated: 2023-10-30. Review status: criteria provided, single submitter. Criteria: ACMG Guidelines, 2015. Collection method: clinical testing. Allele origin: unknown.

Labcorp Genetics (formerly Invitae), Labcorp
Classification: Uncertain significance for Retinoblastoma. Last evaluated: 2023-10-06. Review status: criteria provided, single submitter. Criteria: Invitae Variant Classification Sherloc (09022015). Collection method: clinical testing. Allele origin: germline.
Comment: This sequence change replaces proline, which is neutral and non-polar, with leucine, which is neutral and non-polar, at codon 3 of the RB1 protein (p.Pro3Leu). This variant is not present in population databases (gnomAD no frequency). This variant has not been reported in the literature in individuals affected with RB1-related conditions. Advanced modeling of protein sequence and biophysical properties (such as structural, functional, and spatial information, amino acid conservation, physicochemical variation, residue mobility, and thermodynamic stability) has been performed at Invitae for this missense variant, however the output from this modeling did not meet the statistical confidence thresholds required to predict the impact of this variant on RB1 protein function. In summary, the available evidence is currently insufficient to determine the role of this variant in disease. Therefore, it has been classified as a Variant of Uncertain Significance.